The following is an entry in ClinVar:

GRCh37/hg19 2p16.3(chr2:51130351-51216518)x1

Gene: NRXN1 (neurexin 1; minus strand). Cytogenetic location: 2p16.3.
Variant type: copy number loss.
Change: copy number 1 (one copy instead of two) of chr2:51,130,351-51,216,518 (86.2 kb, GRCh37 coordinates, 1-based), cytogenetic band 2p16.3.
Identifiers: ClinVar variation 2684553 (VCV002684553.1).

ClinVar aggregate classification (germline): Pathogenic (1 of 4 stars; one submission).

Submission:

Quest Diagnostics Nichols Institute San Juan Capistrano
Classification: Pathogenic. Last evaluated: 2023-03-09. Review status: criteria provided, single submitter. Criteria: ACMG/ClinGen CNV Guidelines, 2019. Collection method: clinical testing. Allele origin: unknown.
Comment: The copy number loss of 2p16.3 involves multiple exons (NM_001135659.3) of an intragenic portion of NRXN1 (OMIM 600565). Heterozygous deletions of NRXN1 have been reported in individuals with a wide spectrum of developmental and neuropsychiatric disorders (Castronovo 2020; Cosemans 2020; Fuccillo and Pak 2021). Reports suggest reduced penetrance and variable expressivity (Al Shehhi 2019). Thus, this copy number variant is classified as pathogenic with incomplete penetrance and variable expressivity. References: Al Shehhi et al. Eur J Med Genet 2019;62(3):204-209. PMID: 30031152 Castronovo et al. Clin Genet. 2020 97:125137. PMID: 30873608 Cosemans et al. J Med Genet 2020;57(5):347-355. PMID: 31932357 Fuccillo and Pak. Curr Opin Genet Dev. 2021;68:64-70. PMID: 33756113 Lowther et al. Genet Med. 2017;19(1):53-61. PMID: 27195815